The following is an entry in ClinVar:

ClinVar aggregate classification (germline): Uncertain significance (1 of 4 stars; one submission).

Conditions:
Candidiasis, familial, 9 (CANDF9). Identifiers: Orphanet 1334, MedGen C4225324, MONDO:0014642, OMIM 616445.

Submission:

Labcorp Genetics (formerly Invitae), Labcorp
Classification: Uncertain significance for Candidiasis, familial, 9. Last evaluated: 2026-01-18. Review status: criteria provided, single submitter. Criteria: Invitae Variant Classification Sherloc (09022015). Collection method: clinical testing. Allele origin: germline.
Comment: This sequence change replaces glycine, which is neutral and non-polar, with arginine, which is basic and polar, at codon 790 of the IL17RC protein (p.Gly790Arg). The frequency data for this variant in the population databases is considered unreliable, as metrics indicate poor data quality at this position in the gnomAD database. This variant has not been reported in the literature in individuals affected with IL17RC-related conditions. An algorithm developed to predict the effect of missense changes on protein structure and function outputs the following: PolyPhen-2: "Not Available". The arginine amino acid residue is found in multiple mammalian species, which suggests that this missense change does not adversely affect protein function. In summary, the available evidence is currently insufficient to determine the role of this variant in disease. Therefore, it has been classified as a Variant of Uncertain Significance.

NM_153460.4(IL17RC):c.2155G>A (p.Gly719Arg)

Genes: IL17RC (interleukin 17 receptor C; plus strand), LOC129936144 (ATAC-STARR-seq lymphoblastoid silent region 14051; plus strand). Cytogenetic location: 3p25.3.
Variant type: single nucleotide variant.
Coding change: c.2155G>A on transcript NM_153460.4 (MANE Select); coding-DNA position 2155, G replaced by A.
Protein change: p.Gly719Arg; replaces glycine 719 with arginine.
Molecular consequence: missense variant. On other transcripts: non-coding transcript variant (1).
Genome position (GRCh38, 1-based): chr3:9,933,585, G>A. VCF-style: chr3-9933585-G-A. GRCh37 (hg19) VCF-style: chr3-9975269-G-A.
Other names: c.2116G>A, p.Gly706Arg (NM_001203263.2); c.2065G>A, p.Gly689Arg (NM_001203264.2); c.2059G>A, p.Gly687Arg (NM_001203265.2); c.2077G>A, p.Gly693Arg (NM_001367278.1); c.1996G>A, p.Gly666Arg (NM_001367279.1); c.2071G>A, p.Gly691Arg (NM_001367280.1); c.2020G>A, p.Gly674Arg (NM_001410711.1); c.2110G>A, p.Gly704Arg (NM_032732.6); and 1 more; short protein forms G666R, G674R, G693R, G790R, G704R, G706R, G719R, G687R.
Identifiers: ClinVar variation 4777395 (VCV004777395.1).
Genomic context (GRCh38, chr3:9,933,585, plus strand): 5'-CCGGGGACTCCCGCGCCGGGACGCGGGGTGGGACCAGGCGCGGGACCTGGGGCGGGGGAC[G>A]GGACTTAAATAAAGGCAGACGCTGTTTTTCTACCCATGTGGCCCACACGCGTCTCCGTTT-3'
Protein context (NP_703190.2, residues 709-720): GPGAGPGAGD[Gly719Arg]T